The following is an entry in ClinVar:

NM_001035.3(RYR2):c.4761C>T (p.His1587=)

Gene: RYR2 (ryanodine receptor 2; plus strand). Cytogenetic location: 1q43.
Variant type: single nucleotide variant.
Coding change: c.4761C>T on transcript NM_001035.3 (MANE Select); coding-DNA position 4761, C replaced by T.
Protein change: p.His1587=; no amino-acid change (histidine 1587 retained).
Molecular consequence: synonymous variant.
Genome position (GRCh38, 1-based): chr1:237,610,839, C>T. VCF-style: chr1-237610839-C-T. GRCh37 (hg19) VCF-style: chr1-237774139-C-T.
Other names: c.4761C>T, p.His1587= (LRG_402t1).
Identifiers: ClinVar variation 519240 (VCV000519240.23), dbSNP rs369612535, ClinGen allele CA086731.
Genomic context (GRCh38, chr1:237,610,839, plus strand): 5'-GGCGGGATTATTCAAGAGTGAGCACAAGAACCCCGTGCCGCAGTGCCCCCCGCGCCTCCA[C>T]GTGCAGTTCCTGTCACACGTCCTGTGGAGCAGAATGCCCAACCAGTTTTTGAAGGTAGAT-3'
Protein context (NP_001026.2, residues 1577-1597): NPVPQCPPRL[His1587=]VQFLSHVLWS

ClinVar aggregate classification (germline): Benign/Likely benign. Review status: criteria provided, multiple submitters, no conflicts (2 of 4 stars). 8 submissions from 8 submitters: Benign (1); Likely benign (7). Last evaluated 2026-07-01.

Conditions:
Cardiovascular phenotype. Identifiers: MedGen CN230736.
Catecholaminergic polymorphic ventricular tachycardia (CVPT). Also called: Catecholamine-induced polymorphic ventricular tachycardia. Identifiers: Orphanet 3286, MedGen C5574922, MONDO:0017990.
Catecholaminergic polymorphic ventricular tachycardia 1. Also called: VENTRICULAR TACHYCARDIA, STRESS-INDUCED POLYMORPHIC 1; RYR2-Related Catecholaminergic Polymorphic Ventricular Tachycardia; VENTRICULAR TACHYCARDIA, CATECHOLAMINERGIC POLYMORPHIC, 1, WITH OR WITHOUT ATRIAL DYSFUNCTION AND/OR DILATED CARDIOMYOPATHY. Identifiers: Orphanet 3286, MedGen C1631597, MONDO:0011484, OMIM 604772.
Cardiomyopathy (CMYO). Also called: Cardiomyopathies. Identifiers: Orphanet 167848, MedGen C0878544, MONDO:0004994, HP:0001638. Inheritance: Various modes of inheritance.

Allele frequency attached by ClinVar (database versions not stated): ExAC 0.00008; gnomAD 0.00015 and 0.00017; ESP Exome Variant Server 0.00016; TOPMed 0.00018.
gnomAD v4.1: 43 of 1,613,006 alleles (0.0027%); highest among the groups gnomAD compares: African/African-American, 0.031%; no homozygotes.

Submissions (8):

CeGaT Center for Human Genetics Tuebingen
Classification: Likely benign. Last evaluated: 2026-07-01. Review status: criteria provided, single submitter. Criteria: CeGaT Center For Human Genetics Tuebingen Variant Classification Criteria Version 2. Collection method: clinical testing. Allele origin: germline. Affected: yes. Observed: 1 variant allele.
Comment: RYR2: BP4, BP7

Labcorp Genetics (formerly Invitae), Labcorp
Classification: Likely benign for Catecholaminergic polymorphic ventricular tachycardia 1. Last evaluated: 2026-01-27. Review status: criteria provided, single submitter. Criteria: Invitae Variant Classification Sherloc (09022015). Collection method: clinical testing. Allele origin: germline.

Women's Health and Genetics/Laboratory Corporation of America, LabCorp
Classification: Benign. Last evaluated: 2025-03-17. Review status: criteria provided, single submitter. Criteria: LabCorp Variant Classification Summary - May 2015. Collection method: clinical testing. Allele origin: germline.

Ambry Genetics
Classification: Likely benign for Cardiovascular phenotype. Last evaluated: 2024-01-23. Review status: criteria provided, single submitter. Criteria: Ambry Variant Classification Scheme 2023. Collection method: clinical testing. Allele origin: germline.

All of Us Research Program, National Institutes of Health
Classification: Likely benign for Catecholaminergic polymorphic ventricular tachycardia. Last evaluated: 2023-11-30. Review status: criteria provided, single submitter. Criteria: ACMG Guidelines, 2015. Collection method: clinical testing. Allele origin: germline. Inheritance: Autosomal dominant inheritance. Observed: 8 variant alleles, 8 heterozygotes.
Comment: This study involves interpretation of variants in research participants for the purpose of population health screening. Participant phenotype was not available at the time of variant classification. Additional details can be found in publication PMID: 35346344, PMCID: PMC8962531

Blueprint Genetics
Classification: Likely benign. Last evaluated: 2022-11-28. Review status: criteria provided, single submitter. Criteria: ACMG Guidelines, 2015. Collection method: clinical testing. Allele origin: germline.

GeneDx
Classification: Likely benign. Last evaluated: 2020-10-08. Review status: criteria provided, single submitter. Criteria: GeneDx Variant Classification Process June 2021. Collection method: clinical testing. Allele origin: germline. Affected: yes.

Color Diagnostics, LLC DBA Color Health
Classification: Likely benign for Cardiomyopathy. Last evaluated: 2019-03-30. Review status: criteria provided, single submitter. Criteria: ACMG Guidelines, 2015. Collection method: clinical testing. Allele origin: germline.